The following is an entry in ClinVar:

ClinVar aggregate classification (germline): Uncertain significance (1 of 4 stars; one submission).

Submission:

Labcorp Genetics (formerly Invitae), Labcorp
Classification: Uncertain significance. Last evaluated: 2025-04-16. Review status: criteria provided, single submitter. Criteria: Invitae Variant Classification Sherloc (09022015). Collection method: clinical testing. Allele origin: germline.
Comment: This variant, c.2664_2675del, results in the deletion of 4 amino acid(s) of the TOPORS protein (p.Lys892_Lys895del), but otherwise preserves the integrity of the reading frame. This variant is present in population databases (rs761419876, gnomAD 0.003%). This variant has not been reported in the literature in individuals affected with TOPORS-related conditions. ClinVar contains an entry for this variant (Variation ID: 1978477). Experimental studies and prediction algorithms are not available or were not evaluated, and the functional significance of this variant is currently unknown. In summary, the available evidence is currently insufficient to determine the role of this variant in disease. Therefore, it has been classified as a Variant of Uncertain Significance.

NM_005802.5(TOPORS):c.2664_2675del (p.888KHKK[1])

Gene: TOPORS (TOP1 binding arginine/serine rich protein, E3 ubiquitin ligase; minus strand). Cytogenetic location: 9p21.1.
Variant type: Deletion.
Coding change: c.2664_2675del on transcript NM_005802.5 (MANE Select); coding-DNA positions 2664 to 2675, 12 bases deleted (ACATAAGAAGAA).
Protein change: p.888KHKK[1].
Molecular consequence: inframe deletion.
Genome position (GRCh38, 1-based): chr9:32,541,850-32,541,861, TTCTTCTTATGT deleted on the plus strand (ACATAAGAAGAA on the coding strand, the reverse complement: TOPORS is on the minus strand); deleting any 12 consecutive bases within chr9:32,541,850-32,541,869 gives the same sequence; the c. name uses the placement nearest the transcript's 3' end. VCF-style (leftmost placement, unchanged base first): chr9-32541849-CTTCTTCTTATGT-C. GRCh37 (hg19) VCF-style: chr9-32541847-CTTCTTCTTATGT-C.
Other names: c.2469_2480del, p.823KHKK[1] (NM_001195622.2).
Identifiers: ClinVar variation 1978477 (VCV001978477.4), dbSNP rs761419876, ClinGen allele CA5020329.